The following is an entry in ClinVar:

ClinVar aggregate classification (germline): Pathogenic (1 of 4 stars; one submission).

Allele frequency attached by ClinVar (database versions not stated): gnomAD 0.00001.

Submission:

Labcorp Genetics (formerly Invitae), Labcorp
Classification: Pathogenic. Last evaluated: 2024-11-25. Review status: criteria provided, single submitter. Criteria: Invitae Variant Classification Sherloc (09022015). Collection method: clinical testing. Allele origin: germline.
Comment: This sequence change creates a premature translational stop signal (p.Gln69*) in the RUNX2 gene. It is expected to result in an absent or disrupted protein product. Loss-of-function variants in RUNX2 are known to be pathogenic (PMID: 10521292, 11857736). This variant is not present in population databases (gnomAD no frequency). This variant has not been reported in the literature in individuals affected with RUNX2-related conditions. ClinVar contains an entry for this variant (Variation ID: 2859807). For these reasons, this variant has been classified as Pathogenic.

Literature cited by the submitters: PubMed 10521292; PubMed 11857736.

NM_001024630.4(RUNX2):c.205C>T (p.Gln69Ter)

Genes: RUNX2 (RUNX family transcription factor 2; plus strand), LOC109611589 (runt related transcription factor 2 polyalanine expansion region; plus strand). Cytogenetic location: 6p21.1.
Variant type: single nucleotide variant.
Coding change: c.205C>T on transcript NM_001024630.4 (MANE Select); coding-DNA position 205, C replaced by T.
Protein change: p.Gln69Ter; replaces glutamine 69 with a stop codon.
Molecular consequence: nonsense.
Genome position (GRCh38, 1-based): chr6:45,422,739, C>T. VCF-style: chr6-45422739-C-T. GRCh37 (hg19) VCF-style: chr6-45390476-C-T.
Other names: c.205C>T, p.Gln69Ter (NM_001015051.4); c.163C>T, p.Gln55Ter (NM_001278478.2, NM_001369405.1, NM_004348.3); short protein forms Q55*, Q69*.
Identifiers: ClinVar variation 2859807 (VCV002859807.3), dbSNP rs769836316, ClinGen allele CA363957884.